The following is an entry in ClinVar:

NM_000434.4(NEU1):c.699C>T (p.Ser233=)

Gene: NEU1 (neuraminidase 1; minus strand). Cytogenetic location: 6p21.33.
Variant type: single nucleotide variant.
Coding change: c.699C>T on transcript NM_000434.4 (MANE Select); coding-DNA position 699, C replaced by T.
Protein change: p.Ser233=; no amino-acid change (serine 233 retained).
Molecular consequence: synonymous variant.
Genome position (GRCh38, 1-based): chr6:31,860,538, G>A on the plus strand (C>T on the coding strand, the complement: NEU1 is on the minus strand). VCF-style: chr6-31860538-G-A. GRCh37 (hg19) VCF-style: chr6-31828315-G-A.
Identifiers: ClinVar variation 2081151 (VCV002081151.1), dbSNP rs188562197, ClinGen allele CA3724980.

ClinVar aggregate classification (germline): Uncertain significance (1 of 4 stars; one submission).

Allele frequency attached by ClinVar (database versions not stated): ExAC 0.00004; 1000 Genomes Project 30x 0.00016; 1000 Genomes Project 0.00020.
gnomAD v4.1: 18 of 1,614,064 alleles (0.0011%); highest among the groups gnomAD compares: Admixed American, 0.015%; no homozygotes.

Submission:

Labcorp Genetics (formerly Invitae), Labcorp
Classification: Uncertain significance. Last evaluated: 2022-07-27. Review status: criteria provided, single submitter. Criteria: Invitae Variant Classification Sherloc (09022015). Collection method: clinical testing. Allele origin: germline.
Comment: This sequence change affects codon 233 of the NEU1 mRNA. It is a 'silent' change, meaning that it does not change the encoded amino acid sequence of the NEU1 protein. This variant is present in population databases (rs188562197, gnomAD 0.02%). This variant has not been reported in the literature in individuals affected with NEU1-related conditions. Algorithms developed to predict the effect of sequence changes on RNA splicing suggest that this variant is not likely to affect RNA splicing. In summary, the available evidence is currently insufficient to determine the role of this variant in disease. Therefore, it has been classified as a Variant of Uncertain Significance.